The following is an entry in ClinVar:

NM_006121.4(KRT1):c.604G>A (p.Glu202Lys)

Gene: KRT1 (keratin 1; minus strand). Cytogenetic location: 12q13.13.
Variant type: single nucleotide variant.
Coding change: c.604G>A on transcript NM_006121.4 (MANE Select); coding-DNA position 604, G replaced by A.
Protein change: p.Glu202Lys; replaces glutamic acid 202 with lysine.
Molecular consequence: missense variant.
Genome position (GRCh38, 1-based): chr12:52,678,744, C>T on the plus strand (G>A on the coding strand, the complement: KRT1 is on the minus strand). VCF-style: chr12-52678744-C-T. GRCh37 (hg19) VCF-style: chr12-53072528-C-T.
Other names: short protein forms E202K.
Identifiers: ClinVar variation 2818584 (VCV002818584.3), dbSNP rs2498636264, ClinGen allele CA384972654.

ClinVar aggregate classification (germline): Uncertain significance (1 of 4 stars; one submission).

Submission:

Labcorp Genetics (formerly Invitae), Labcorp
Classification: Uncertain significance. Last evaluated: 2022-12-04. Review status: criteria provided, single submitter. Criteria: Invitae Variant Classification Sherloc (09022015). Collection method: clinical testing. Allele origin: germline.
Comment: In summary, the available evidence is currently insufficient to determine the role of this variant in disease. Therefore, it has been classified as a Variant of Uncertain Significance. Advanced modeling of protein sequence and biophysical properties (such as structural, functional, and spatial information, amino acid conservation, physicochemical variation, residue mobility, and thermodynamic stability) performed at Invitae indicates that this missense variant is expected to disrupt KRT1 protein function. This variant has not been reported in the literature in individuals affected with KRT1-related conditions. This variant is not present in population databases (gnomAD no frequency). This sequence change replaces glutamic acid, which is acidic and polar, with lysine, which is basic and polar, at codon 202 of the KRT1 protein (p.Glu202Lys).